The following is an entry in ClinVar:

NM_024757.5(EHMT1):c.3817C>T (p.Arg1273Cys)

Gene: EHMT1 (euchromatic histone lysine methyltransferase 1; plus strand). Cytogenetic location: 9q34.3.
Variant type: single nucleotide variant.
Coding change: c.3817C>T on transcript NM_024757.5 (MANE Select); coding-DNA position 3817, C replaced by T.
Protein change: p.Arg1273Cys; replaces arginine 1273 with cysteine.
Molecular consequence: missense variant.
Genome position (GRCh38, 1-based): chr9:137,834,873, C>T. VCF-style: chr9-137834873-C-T. GRCh37 (hg19) VCF-style: chr9-140729325-C-T.
Other names: c.3796C>T, p.Arg1266Cys (NM_001354263.2); c.3817C>T (NM_024757.4); short protein forms R1273C, R1266C.
Identifiers: ClinVar variation 3707672 (VCV003707672.3).

ClinVar aggregate classification (germline): Uncertain significance. Review status: criteria provided, multiple submitters, no conflicts (2 of 4 stars). 2 submissions from 2 submitters: Uncertain significance (2). Last evaluated 2026-08-31.

Conditions:
Kleefstra syndrome 1 (KLEFS1). Identifiers: Orphanet 261494, MedGen C0795833, MONDO:0027407, OMIM 610253.
EHMT1-related disorder. Also called: EHMT1-related condition.

Submissions (2):

PreventionGenetics, part of Exact Sciences
Classification: Uncertain significance for EHMT1-related condition. Last evaluated: 2026-08-31. Review status: criteria provided, single submitter. Criteria: ACMG Guidelines, 2015. Collection method: clinical testing. Allele origin: germline.
Comment: The EHMT1 c.3817C>T variant is predicted to result in the amino acid substitution p.Arg1273Cys. To our knowledge, this variant has not been reported in the literature or in a large population database (gnomAD), indicating this variant is rare. At this time, the clinical significance of this variant is uncertain due to the absence of conclusive functional and genetic evidence.

Labcorp Genetics (formerly Invitae), Labcorp
Classification: Uncertain significance for Kleefstra syndrome 1. Last evaluated: 2025-04-17. Review status: criteria provided, single submitter. Criteria: Invitae Variant Classification Sherloc (09022015). Collection method: clinical testing. Allele origin: germline.
Comment: This sequence change replaces arginine, which is basic and polar, with cysteine, which is neutral and slightly polar, at codon 1273 of the EHMT1 protein (p.Arg1273Cys). This variant is not present in population databases (gnomAD no frequency). This variant has not been reported in the literature in individuals affected with EHMT1-related conditions. ClinVar contains an entry for this variant (Variation ID: 3707672). Invitae Evidence Modeling of protein sequence and biophysical properties (such as structural, functional, and spatial information, amino acid conservation, physicochemical variation, residue mobility, and thermodynamic stability) indicates that this missense variant is not expected to disrupt EHMT1 protein function with a negative predictive value of 80%. In summary, the available evidence is currently insufficient to determine the role of this variant in disease. Therefore, it has been classified as a Variant of Uncertain Significance.